The following is an entry in ClinVar:

ClinVar aggregate classification (germline): Uncertain significance. Review status: criteria provided, multiple submitters, no conflicts (2 of 4 stars). 2 submissions from 2 submitters: Uncertain significance (2). Last evaluated 2024-12-02.

Conditions:
Inborn genetic diseases. Identifiers: MedGen C0950123, MeSH D030342.
MEGF8-related Carpenter syndrome. Also called: Carpenter syndrome 2. Identifiers: Orphanet 65759, MedGen C3554247, MONDO:0013998, OMIM 614976.

Submissions (2):

Labcorp Genetics (formerly Invitae), Labcorp
Classification: Uncertain significance for MEGF8-related Carpenter syndrome. Last evaluated: 2024-12-02. Review status: criteria provided, single submitter. Criteria: Invitae Variant Classification Sherloc (09022015). Collection method: clinical testing. Allele origin: germline.
Comment: This sequence change replaces arginine, which is basic and polar, with histidine, which is basic and polar, at codon 2240 of the MEGF8 protein (p.Arg2240His). This variant is present in population databases (rs142506261, gnomAD 0.008%). This variant has not been reported in the literature in individuals affected with MEGF8-related conditions. ClinVar contains an entry for this variant (Variation ID: 3125212). An algorithm developed to predict the effect of missense changes on protein structure and function (PolyPhen-2) suggests that this variant is likely to be tolerated. In summary, the available evidence is currently insufficient to determine the role of this variant in disease. Therefore, it has been classified as a Variant of Uncertain Significance.

Ambry Genetics
Classification: Uncertain significance for Inborn genetic diseases. Last evaluated: 2024-01-30. Review status: criteria provided, single submitter. Criteria: Ambry Variant Classification Scheme 2023. Collection method: clinical testing. Allele origin: germline.

NM_001271938.2(MEGF8):c.6920G>A (p.Arg2307His)

Gene: MEGF8 (multiple EGF like domains 8; plus strand). Cytogenetic location: 19q13.2.
Variant type: single nucleotide variant.
Coding change: c.6920G>A on transcript NM_001271938.2 (MANE Select); coding-DNA position 6920, G replaced by A.
Protein change: p.Arg2307His; replaces arginine 2307 with histidine.
Molecular consequence: missense variant.
Genome position (GRCh38, 1-based): chr19:42,370,274, G>A. VCF-style: chr19-42370274-G-A. GRCh37 (hg19) VCF-style: chr19-42874426-G-A.
Other names: c.6719G>A, p.Arg2240His (NM_001410.3); short protein forms R2307H, R2240H.
Identifiers: ClinVar variation 3125212 (VCV003125212.3), dbSNP rs142506261, ClinGen allele CA9476013.
Genomic context (GRCh38, chr19:42,370,274, plus strand): 5'-CGCTGTTTGTGGGTTCAGCTGTCGGAGGCGGGACCTGCCGGCCCTGCCACGCCTTTTGTC[G>A]TGGAAATAGCCACATCTGCATCTCCAGGAAGGAGTTACAAATGTCCAAGGGAGAGCCAAA-3'
Protein context (NP_001258867.1, residues 2297-2317): GTCRPCHAFC[Arg2307His]GNSHICISRK